The following is an entry in ClinVar:

ClinVar aggregate classification (germline): Uncertain significance. Review status: criteria provided, multiple submitters, no conflicts (2 of 4 stars). 2 submissions from 2 submitters: Uncertain significance (2). Last evaluated 2025-06-01.

Conditions:
Developmental and epileptic encephalopathy, 2 (DEE2). Also called: INFANTILE SPASM SYNDROME, X-LINKED 2; CDKL5 deficiency disorder. Identifiers: Orphanet 1934, Orphanet 3451, Orphanet 505652, MedGen C4750718, MONDO:0010396, OMIM 300672.
Angelman syndrome-like. Identifiers: MedGen CN128785.

Submissions (2):

CeGaT Center for Human Genetics Tuebingen
Classification: Uncertain significance. Last evaluated: 2025-06-01. Review status: criteria provided, single submitter. Criteria: CeGaT Center For Human Genetics Tuebingen Variant Classification Criteria Version 2. Collection method: clinical testing. Allele origin: germline. Affected: yes. Observed: 1 variant allele.
Comment: CDKL5: PM2

Labcorp Genetics (formerly Invitae), Labcorp
Classification: Uncertain significance for Developmental and epileptic encephalopathy, 2; Angelman syndrome-like. Last evaluated: 2024-09-15. Review status: criteria provided, single submitter. Criteria: Invitae Variant Classification Sherloc (09022015). Collection method: clinical testing. Allele origin: germline.
Comment: This sequence change replaces histidine, which is basic and polar, with asparagine, which is neutral and polar, at codon 844 of the CDKL5 protein (p.His844Asn). This variant is not present in population databases (gnomAD no frequency). This variant has not been reported in the literature in individuals affected with CDKL5-related conditions. Invitae Evidence Modeling of protein sequence and biophysical properties (such as structural, functional, and spatial information, amino acid conservation, physicochemical variation, residue mobility, and thermodynamic stability) indicates that this missense variant is not expected to disrupt CDKL5 protein function with a negative predictive value of 95%. In summary, the available evidence is currently insufficient to determine the role of this variant in disease. Therefore, it has been classified as a Variant of Uncertain Significance.

NM_001323289.2(CDKL5):c.2530C>A (p.His844Asn)

Gene: CDKL5 (cyclin dependent kinase like 5; plus strand). Cytogenetic location: Xp22.13.
Variant type: single nucleotide variant.
Coding change: c.2530C>A on transcript NM_001323289.2 (MANE Select); coding-DNA position 2530, C replaced by A.
Protein change: p.His844Asn; replaces histidine 844 with asparagine.
Molecular consequence: missense variant.
Genome position (GRCh38, 1-based): chrX:18,628,404, C>A. VCF-style: chrX-18628404-C-A. GRCh37 (hg19) VCF-style: chrX-18646524-C-A.
Other names: c.2530C>A, p.His844Asn (NM_001037343.2, NM_003159.3); short protein forms H844N.
Identifiers: ClinVar variation 2939578 (VCV002939578.13), dbSNP rs1927135667, ClinGen allele CA412367060.